The following is an entry in ClinVar:

ClinVar aggregate classification (germline): Uncertain significance (1 of 4 stars; one submission).

Conditions:
Hereditary sensory and autonomic neuropathy type 6. Also called: HSAN VI; Neuropathy, hereditary sensory and autonomic, type VI. Identifiers: Orphanet 314381, MedGen C3539003, MONDO:0013839, OMIM 614653.
Epidermolysis bullosa simplex 3, localized or generalized intermediate, with BP230 deficiency (EBS3). Also called: Epidermolysis bullosa simplex, autosomal recessive 2; Epidermolysis bullosa simplex due to BP230 deficiency. Identifiers: Orphanet 412181, MedGen C3809470, MONDO:0014180, OMIM 615425.

Allele frequency attached by ClinVar (database versions not stated): ExAC 0.00001; gnomAD 0.00001 and 0.00002; gnomAD exomes 0.00001; TOPMed 0.00001.
gnomAD v4.1: 11 of 1,613,838 alleles (0.00068%); highest among the groups gnomAD compares: Admixed American, 0.0017%; no homozygotes.

Submission:

Labcorp Genetics (formerly Invitae), Labcorp
Classification: Uncertain significance for Epidermolysis bullosa simplex 3, localized or generalized intermediate, with BP230 deficiency; Hereditary sensory and autonomic neuropathy type 6. Last evaluated: 2023-05-22. Review status: criteria provided, single submitter. Criteria: Invitae Variant Classification Sherloc (09022015). Collection method: clinical testing. Allele origin: germline.
Comment: This sequence change replaces arginine, which is basic and polar, with cysteine, which is neutral and slightly polar, at codon 4949 of the DST protein (p.Arg4949Cys). This variant is present in population databases (rs768456792, gnomAD 0.003%). This variant has not been reported in the literature in individuals affected with DST-related conditions. Experimental studies and prediction algorithms are not available or were not evaluated, and the functional significance of this variant is currently unknown. In summary, the available evidence is currently insufficient to determine the role of this variant in disease. Therefore, it has been classified as a Variant of Uncertain Significance. The DST gene has multiple clinically relevant transcripts. This variant occurs in alternate transcript NM_015548.4, and corresponds to NM_001723.5:c.*151779C>T in the primary transcript.

NM_001374736.1(DST):c.22786C>T (p.Arg7596Cys)

Gene: DST (dystonin; minus strand). Cytogenetic location: 6p12.1.
Variant type: single nucleotide variant.
Coding change: c.22786C>T on transcript NM_001374736.1 (MANE Select); coding-DNA position 22786, C replaced by T.
Protein change: p.Arg7596Cys; replaces arginine 7596 with cysteine.
Molecular consequence: missense variant.
Genome position (GRCh38, 1-based): chr6:56,463,738, G>A on the plus strand (C>T on the coding strand, the complement: DST is on the minus strand). VCF-style: chr6-56463738-G-A. GRCh37 (hg19) VCF-style: chr6-56328536-G-A.
Other names: c.16357C>T, p.Arg5453Cys (NM_001144769.5); c.15943C>T, p.Arg5315Cys (NM_001144770.2); c.22714C>T, p.Arg7572Cys (NM_001374722.1); c.21826C>T, p.Arg7276Cys (NM_001374729.1); c.15568C>T, p.Arg5190Cys (NM_001374730.1); c.22741C>T, p.Arg7581Cys (NM_001374734.1); c.15805C>T, p.Arg5269Cys (NM_001386100.1); c.14845C>T, p.Arg4949Cys (NM_015548.5); and 1 more; short protein forms R4949C, R5190C, R5275C, R5453C, R7276C, R7572C, R7596C, R5269C.
Identifiers: ClinVar variation 1483747 (VCV001483747.4), dbSNP rs768456792, ClinGen allele CA3866142.